The following is an entry in ClinVar:

ClinVar aggregate classification (germline): Uncertain significance. Review status: criteria provided, multiple submitters, no conflicts (2 of 4 stars). 2 submissions from 2 submitters: Uncertain significance (2). Last evaluated 2025-10-22.

Conditions:
Microcephaly-intellectual disability-sensorineural hearing loss-epilepsy-abnormal muscle tone syndrome (NEDHSB). Also called: NEURODEVELOPMENTAL DISORDER WITH HEARING LOSS, SEIZURES, AND BRAIN ABNORMALITIES. Identifiers: Orphanet 457351, MedGen C4225276, MONDO:0014698, OMIM 616577.
Inborn genetic diseases. Identifiers: MedGen C0950123, MeSH D030342.

Allele frequency attached by ClinVar (database versions not stated): gnomAD exomes below 0.00001.
gnomAD v4.1: 4 of 1,613,048 alleles (0.00025%); highest among the groups gnomAD compares: Non-Finnish European, 0.00025%; no homozygotes.

Submissions (2):

Ambry Genetics
Classification: Uncertain significance for Inborn genetic diseases. Last evaluated: 2025-10-22. Review status: criteria provided, single submitter. Criteria: Ambry Variant Classification Scheme 2023. Collection method: clinical testing. Allele origin: germline.

Labcorp Genetics (formerly Invitae), Labcorp
Classification: Uncertain significance for Microcephaly-intellectual disability-sensorineural hearing loss-epilepsy-abnormal muscle tone syndrome. Last evaluated: 2022-07-20. Review status: criteria provided, single submitter. Criteria: Invitae Variant Classification Sherloc (09022015). Collection method: clinical testing. Allele origin: germline.
Comment: This variant is present in population databases (no rsID available, gnomAD 0.0009%). In summary, the available evidence is currently insufficient to determine the role of this variant in disease. Therefore, it has been classified as a Variant of Uncertain Significance. Algorithms developed to predict the effect of missense changes on protein structure and function are either unavailable or do not agree on the potential impact of this missense change (SIFT: "Deleterious"; PolyPhen-2: "Benign"; Align-GVGD: "Class C0"). This variant has not been reported in the literature in individuals affected with SPATA5-related conditions. This sequence change replaces glutamine, which is neutral and polar, with proline, which is neutral and non-polar, at codon 864 of the SPATA5 protein (p.Gln864Pro).

NM_145207.3(AFG2A):c.2591A>C (p.Gln864Pro)

Gene: AFG2A (AAA ATPase AFG2A; plus strand). Cytogenetic location: 4q28.1.
Variant type: single nucleotide variant.
Coding change: c.2591A>C on transcript NM_145207.3 (MANE Select); coding-DNA position 2591, A replaced by C.
Protein change: p.Gln864Pro; replaces glutamine 864 with proline.
Molecular consequence: missense variant.
Genome position (GRCh38, 1-based): chr4:123,313,973, A>C. VCF-style: chr4-123313973-A-C. GRCh37 (hg19) VCF-style: chr4-124235128-A-C.
Other names: c.2588A>C, p.Gln863Pro (NM_001345856.2); c.2591A>C (NM_145207.2); short protein forms Q863P, Q864P.
Identifiers: ClinVar variation 1921125 (VCV001921125.5), dbSNP rs1202816476, ClinGen allele CA358228837.